The following is an entry in ClinVar:

NM_144631.6(ZNF513):c.1066A>G (p.Ser356Gly)

Gene: ZNF513 (zinc finger protein 513; minus strand). Cytogenetic location: 2p23.3.
Variant type: single nucleotide variant.
Coding change: c.1066A>G on transcript NM_144631.6 (MANE Select); coding-DNA position 1066, A replaced by G.
Protein change: p.Ser356Gly; replaces serine 356 with glycine.
Molecular consequence: missense variant.
Genome position (GRCh38, 1-based): chr2:27,378,105, T>C on the plus strand (A>G on the coding strand, the complement: ZNF513 is on the minus strand). VCF-style: chr2-27378105-T-C. GRCh37 (hg19) VCF-style: chr2-27600972-T-C.
Other names: c.880A>G, p.Ser294Gly (NM_001201459.2); short protein forms S356G, S294G.
Identifiers: ClinVar variation 848021 (VCV000848021.9), dbSNP rs375867261, ClinGen allele CA1577857.

ClinVar aggregate classification (germline): Uncertain significance. Review status: criteria provided, multiple submitters, no conflicts (2 of 4 stars). 2 submissions from 2 submitters: Uncertain significance (2). Last evaluated 2025-10-23.

Allele frequency attached by ClinVar (database versions not stated): TOPMed 0.00001; gnomAD exomes 0.00003 and 0.00006; gnomAD 0.00004; ExAC 0.00006; 1000 Genomes Project 30x 0.00016; 1000 Genomes Project 0.00020.
gnomAD v4.1: 53 of 1,613,544 alleles (0.0033%); highest among the groups gnomAD compares: South Asian, 0.019%; no homozygotes.

Submissions (2):

Labcorp Genetics (formerly Invitae), Labcorp
Classification: Uncertain significance. Last evaluated: 2025-10-23. Review status: criteria provided, single submitter. Criteria: Invitae Variant Classification Sherloc (09022015). Collection method: clinical testing. Allele origin: germline.
Comment: This sequence change replaces serine, which is neutral and polar, with glycine, which is neutral and non-polar, at codon 356 of the ZNF513 protein (p.Ser356Gly). This variant is present in population databases (rs375867261, gnomAD 0.02%). This variant has not been reported in the literature in individuals affected with ZNF513-related conditions. ClinVar contains an entry for this variant (Variation ID: 848021). An algorithm developed to predict the effect of missense changes on protein structure and function outputs the following: PolyPhen-2: "Benign". The glycine amino acid residue is found in multiple mammalian species, which suggests that this missense change does not adversely affect protein function. In summary, the available evidence is currently insufficient to determine the role of this variant in disease. Therefore, it has been classified as a Variant of Uncertain Significance.

Blueprint Genetics
Classification: Uncertain significance. Last evaluated: 2024-08-20. Review status: criteria provided, single submitter. Criteria: ACMG Guidelines, 2015. Collection method: clinical testing. Allele origin: germline.